The following is an entry in ClinVar:

ClinVar aggregate classification (germline): Uncertain significance (0 of 4 stars; one submission).

Conditions:
PLXNA4-related disorder. Also called: PLXNA4-related condition.

gnomAD v4.1: 1 of 1,614,174 alleles (0.000062%); highest among the groups gnomAD compares: Non-Finnish European, 0.000085%; no homozygotes.

Submission:

PreventionGenetics, part of Exact Sciences
Classification: Uncertain significance for PLXNA4-related condition. Last evaluated: 2023-11-16. Review status: no assertion criteria provided. Collection method: clinical testing. Allele origin: germline.
Comment: The PLXNA4 c.4792G>C variant is predicted to result in the amino acid substitution p.Val1598Leu. To our knowledge, this variant has not been reported in the literature. This variant is reported in 0.00088% of alleles in individuals of European (Non-Finnish) descent in gnomAD. At this time, the clinical significance of this variant is uncertain due to the absence of conclusive functional and genetic evidence.

NM_020911.2(PLXNA4):c.4792G>C (p.Val1598Leu)

Gene: PLXNA4 (plexin A4; minus strand). Cytogenetic location: 7q32.3.
Variant type: single nucleotide variant.
Coding change: c.4792G>C on transcript NM_020911.2 (MANE Select); coding-DNA position 4792, G replaced by C.
Protein change: p.Val1598Leu; replaces valine 1598 with leucine.
Molecular consequence: missense variant.
Genome position (GRCh38, 1-based): chr7:132,147,972, C>G on the plus strand (G>C on the coding strand, the complement: PLXNA4 is on the minus strand). VCF-style: chr7-132147972-C-G. GRCh37 (hg19) VCF-style: chr7-131832731-C-G.
Other names: c.4792G>C, p.Val1598Leu (NM_001393897.1); short protein forms V1598L.
Identifiers: ClinVar variation 3357913 (VCV003357913.1).